The following is an entry in ClinVar:

ClinVar aggregate classification (germline): Uncertain significance (1 of 4 stars; one submission).

Submission:

Labcorp Genetics (formerly Invitae), Labcorp
Classification: Uncertain significance. Last evaluated: 2022-11-01. Review status: criteria provided, single submitter. Criteria: Invitae Variant Classification Sherloc (09022015). Collection method: clinical testing. Allele origin: germline.
Comment: Algorithms developed to predict the effect of missense changes on protein structure and function (SIFT, PolyPhen-2, Align-GVGD) all suggest that this variant is likely to be tolerated. This variant has not been reported in the literature in individuals affected with YME1L1-related conditions. This variant is not present in population databases (gnomAD no frequency). This sequence change replaces aspartic acid, which is acidic and polar, with glutamic acid, which is acidic and polar, at codon 705 of the YME1L1 protein (p.Asp705Glu). In summary, the available evidence is currently insufficient to determine the role of this variant in disease. Therefore, it has been classified as a Variant of Uncertain Significance.

NM_014263.4(YME1L1):c.1944T>A (p.Asp648Glu)

Gene: YME1L1 (YME1 like 1 ATPase; minus strand). Cytogenetic location: 10p12.1.
Variant type: single nucleotide variant.
Coding change: c.1944T>A on transcript NM_014263.4 (MANE Select); coding-DNA position 1944, T replaced by A.
Protein change: p.Asp648Glu; replaces aspartic acid 648 with glutamic acid.
Molecular consequence: missense variant.
Genome position (GRCh38, 1-based): chr10:27,114,584, A>T on the plus strand (T>A on the coding strand, the complement: YME1L1 is on the minus strand). VCF-style: chr10-27114584-A-T. GRCh37 (hg19) VCF-style: chr10-27403513-A-T.
Other names: c.1845T>A, p.Asp615Glu (NM_001253866.2); c.2115T>A, p.Asp705Glu (NM_139312.3); short protein forms D615E, D705E, D648E.
Identifiers: ClinVar variation 2015159 (VCV002015159.4), dbSNP rs2539404391, ClinGen allele CA376367766.